The following is an entry in ClinVar:

ClinVar aggregate classification (germline): Uncertain significance. Review status: criteria provided, multiple submitters, no conflicts (2 of 4 stars). 2 submissions from 2 submitters: Uncertain significance (2). Last evaluated 2021-08-26.

Conditions:
Hereditary cancer-predisposing syndrome. Also called: Hereditary neoplastic syndrome; Neoplastic Syndromes, Hereditary; Tumor predisposition; Hereditary Cancer Syndrome. Identifiers: Orphanet 140162, MedGen C0027672, MeSH D009386, MONDO:0015356.
Microcephaly, normal intelligence and immunodeficiency (NBS). Also called: BERLIN BREAKAGE SYNDROME; Immunodeficiency, microcephaly with normal intelligence; SEEMANOVA SYNDROME II; Nijmegen breakage syndrome; Microcephaly with normal intelligence immunodeficiency and lymphoreticular malignancies; Nonsyndromal microcephaly autosomal recessive with normal intelligence. Identifiers: Orphanet 647, MedGen C0398791, MONDO:0009623, OMIM 251260.

Allele frequency attached by ClinVar (database versions not stated): TOPMed below 0.00001; gnomAD 0.00001.

Submissions (2):

Labcorp Genetics (formerly Invitae), Labcorp
Classification: Uncertain significance for Microcephaly, normal intelligence and immunodeficiency. Last evaluated: 2021-08-26. Review status: criteria provided, single submitter. Criteria: Invitae Variant Classification Sherloc (09022015). Collection method: clinical testing. Allele origin: germline.
Comment: This sequence change replaces serine with phenylalanine at codon 240 of the NBN protein (p.Ser240Phe). The serine residue is moderately conserved and there is a large physicochemical difference between serine and phenylalanine. This variant is not present in population databases (ExAC no frequency). This variant has not been reported in the literature in individuals affected with NBN-related conditions. Algorithms developed to predict the effect of missense changes on protein structure and function are either unavailable or do not agree on the potential impact of this missense change (SIFT: "Deleterious"; PolyPhen-2: "Possibly Damaging"; Align-GVGD: "Class C0"). In summary, the available evidence is currently insufficient to determine the role of this variant in disease. Therefore, it has been classified as a Variant of Uncertain Significance.

Ambry Genetics
Classification: Uncertain significance for Hereditary cancer-predisposing syndrome. Last evaluated: 2020-10-21. Review status: criteria provided, single submitter. Criteria: Ambry Variant Classification Scheme 2023. Collection method: clinical testing. Allele origin: germline.
Comment: The p.S240F variant (also known as c.719C>T), located in coding exon 7 of the NBN gene, results from a C to T substitution at nucleotide position 719. The serine at codon 240 is replaced by phenylalanine, an amino acid with highly dissimilar properties. This amino acid position is not well conserved in available vertebrate species. In addition, this alteration is predicted to be tolerated by in silico analysis. Since supporting evidence is limited at this time, the clinical significance of this alteration remains unclear.

NM_002485.5(NBN):c.719C>T (p.Ser240Phe)

Gene: NBN (nibrin; minus strand). Cytogenetic location: 8q21.3.
Variant type: single nucleotide variant.
Coding change: c.719C>T on transcript NM_002485.5 (MANE Select); coding-DNA position 719, C replaced by T.
Protein change: p.Ser240Phe; replaces serine 240 with phenylalanine.
Molecular consequence: missense variant.
Genome position (GRCh38, 1-based): chr8:89,970,541, G>A on the plus strand (C>T on the coding strand, the complement: NBN is on the minus strand). VCF-style: chr8-89970541-G-A. GRCh37 (hg19) VCF-style: chr8-90982769-G-A.
Other names: c.473C>T, p.Ser158Phe (NM_001024688.3); short protein forms S158F, S240F.
Identifiers: ClinVar variation 1002359 (VCV001002359.8), dbSNP rs1554564033, ClinGen allele CA371658865.